The following is an entry in ClinVar:

NM_001127222.2(CACNA1A):c.3090-5C>T

Gene: CACNA1A (calcium voltage-gated channel subunit alpha1 A; minus strand). Cytogenetic location: 19p13.13.
Variant type: single nucleotide variant.
Coding change: c.3090-5C>T on transcript NM_001127222.2 (MANE Select); 5 bases into the intron before coding-DNA position 3090, C replaced by T.
Molecular consequence: intron variant.
Genome position (GRCh38, 1-based): chr19:13,286,971, G>A on the plus strand (C>T on the coding strand, the complement: CACNA1A is on the minus strand). VCF-style: chr19-13286971-G-A. GRCh37 (hg19) VCF-style: chr19-13397785-G-A.
Other names: c.3093-5C>T (NM_001127221.2, NM_001174080.2); c.3102-5C>T (NM_000068.4, NM_023035.3).
Identifiers: ClinVar variation 499409 (VCV000499409.16), dbSNP rs976595665, ClinGen allele CA305564510.

ClinVar aggregate classification (germline): Conflicting classifications of pathogenicity. Review status: criteria provided, conflicting classifications (1 of 4 stars). 4 submissions from 4 submitters: Uncertain significance (3); Likely benign (1). Last evaluated 2025-10-07.

Conditions:
Inborn genetic diseases. Identifiers: MedGen C0950123, MeSH D030342.
Episodic ataxia type 2 (EA2). Also called: ACETAZOLAMIDE-RESPONSIVE HEREDITARY PAROXYSMAL CEREBELLAR ATAXIA; ATAXIA, EPISODIC, WITH NYSTAGMUS; ATAXIA, FAMILIAL PAROXYSMAL; CEREBELLAR ATAXIA, PAROXYSMAL, ACETAZOLAMIDE-RESPONSIVE; CEREBELLOPATHY, HEREDITARY PAROXYSMAL; EPISODIC ATAXIA, NYSTAGMUS-ASSOCIATED. Identifiers: Orphanet 97, MedGen C1720416, MONDO:0007163, OMIM 108500.
Developmental and epileptic encephalopathy, 42 (DEE42A). Also called: DEVELOPMENTAL AND EPILEPTIC ENCEPHALOPATHY 42A; EPILEPTIC ENCEPHALOPATHY, EARLY INFANTILE, 42A; Epileptic encephalopathy, early infantile, 42. Identifiers: MedGen C4310716, MONDO:0014917, OMIM 617106.
Spinocerebellar ataxia type 6 (SCA6). Identifiers: Orphanet 98758, MedGen C0752124, MONDO:0008457, OMIM 183086.
Migraine, familial hemiplegic, 1. Also called: MIGRAINE, FAMILIAL HEMIPLEGIC 1, WITH PROGRESSIVE CEREBELLAR ATAXIA. Identifiers: Orphanet 569, MedGen C1832884, MONDO:0020756, OMIM 141500, MONDO:0007714.

Allele frequency attached by ClinVar (database versions not stated): gnomAD exomes below 0.00001; TOPMed 0.00001.
gnomAD v4.1: 7 of 1,576,332 alleles (0.00044%); highest among the groups gnomAD compares: Admixed American, 0.0056%; no homozygotes.

Submissions (4):

Labcorp Genetics (formerly Invitae), Labcorp
Classification: Likely benign for Developmental and epileptic encephalopathy, 42; Episodic ataxia type 2. Last evaluated: 2025-10-07. Review status: criteria provided, single submitter. Criteria: Invitae Variant Classification Sherloc (09022015). Collection method: clinical testing. Allele origin: germline.

Ambry Genetics
Classification: Uncertain significance for Inborn genetic diseases. Last evaluated: 2025-07-16. Review status: criteria provided, single submitter. Criteria: Ambry Variant Classification Scheme 2023. Collection method: clinical testing. Allele origin: germline.
Comment: The c.3093-5C>T intronic alteration consists of a C to T substitution 5 nucleotides before coding exon 20 in the CACNA1A gene. Based on insufficient or conflicting evidence, the clinical significance of this alteration remains unclear.

New York Genome Center
Classification: Uncertain significance for Developmental and epileptic encephalopathy, 42; Migraine, familial hemiplegic, 1; Spinocerebellar ataxia type 6; Episodic ataxia type 2. Last evaluated: 2021-07-16. Review status: criteria provided, single submitter. Criteria: NYGC Assertion Criteria 2020. Collection method: clinical testing. Allele origin: inherited. Observed: 1 heterozygote. Study: CSER-NYCKidSeq.

Eurofins Ntd Llc (ga)
Classification: Uncertain significance. Last evaluated: 2017-01-20. Review status: criteria provided, single submitter. Criteria: EGL Classification Definitions 2015. Collection method: clinical testing. Allele origin: germline. Observed: 1 variant allele, 1 heterozygote.